The following is an entry in ClinVar:

NM_001130823.3(DNMT1):c.1195A>C (p.Asn399His)

Gene: DNMT1 (DNA methyltransferase 1; minus strand). Cytogenetic location: 19p13.2.
Variant type: single nucleotide variant.
Coding change: c.1195A>C on transcript NM_001130823.3 (MANE Select); coding-DNA position 1195, A replaced by C.
Protein change: p.Asn399His; replaces asparagine 399 with histidine.
Molecular consequence: missense variant.
Genome position (GRCh38, 1-based): chr19:10,159,743, T>G on the plus strand (A>C on the coding strand, the complement: DNMT1 is on the minus strand). VCF-style: chr19-10159743-T-G. GRCh37 (hg19) VCF-style: chr19-10270419-T-G.
Other names: c.1147A>C, p.Asn383His (NM_001318730.2, NM_001379.4); c.832A>C, p.Asn278His (NM_001318731.2); short protein forms N399H, N278H, N383H.
Identifiers: ClinVar variation 3645318 (VCV003645318.2).

ClinVar aggregate classification (germline): Uncertain significance (1 of 4 stars; one submission).

Conditions:
Hereditary sensory neuropathy-deafness-dementia syndrome. Also called: Hereditary sensory neuropathy type IE; NEUROPATHY, HEREDITARY SENSORY, WITH HEARING LOSS AND DEMENTIA; Hereditary Sensory and Autonomic Neuropathy Type 1E (HSAN1E); HSN IE. Identifiers: Orphanet 456318, MedGen C3279885, MONDO:0013584, OMIM 614116.

Submission:

Labcorp Genetics (formerly Invitae), Labcorp
Classification: Uncertain significance for Hereditary sensory neuropathy-deafness-dementia syndrome. Last evaluated: 2024-03-10. Review status: criteria provided, single submitter. Criteria: Invitae Variant Classification Sherloc (09022015). Collection method: clinical testing. Allele origin: germline.
Comment: This sequence change replaces asparagine, which is neutral and polar, with histidine, which is basic and polar, at codon 399 of the DNMT1 protein (p.Asn399His). This variant is not present in population databases (gnomAD no frequency). This variant has not been reported in the literature in individuals affected with DNMT1-related conditions. Advanced modeling of protein sequence and biophysical properties (such as structural, functional, and spatial information, amino acid conservation, physicochemical variation, residue mobility, and thermodynamic stability) performed at Invitae indicates that this missense variant is not expected to disrupt DNMT1 protein function with a negative predictive value of 80%. In summary, the available evidence is currently insufficient to determine the role of this variant in disease. Therefore, it has been classified as a Variant of Uncertain Significance.